The following is an entry in ClinVar:

NM_080860.4(RSPH1):c.85G>T (p.Glu29Ter)

Genes: RSPH1 (radial spoke head component 1; minus strand), LOC126653391 (CDK7 strongly-dependent group 2 enhancer GRCh37_chr21:43912470-43913669; plus strand). Cytogenetic location: 21q22.3.
Variant type: single nucleotide variant.
Coding change: c.85G>T on transcript NM_080860.4 (MANE Select); coding-DNA position 85, G replaced by T.
Protein change: p.Glu29Ter; replaces glutamic acid 29 with a stop codon.
Molecular consequence: nonsense. On other transcripts: intron variant (1).
Genome position (GRCh38, 1-based): chr21:42,493,049, C>A on the plus strand (G>T on the coding strand, the complement: RSPH1 is on the minus strand). VCF-style: chr21-42493049-C-A. GRCh37 (hg19) VCF-style: chr21-43913159-C-A.
Other names: RSPH1, GLU29TER (rs138320978); p.Glu29*; c.55-186G>T (NM_001286506.2); short protein forms E29*.
Identifiers: ClinVar variation 66987 (VCV000066987.33), dbSNP rs138320978, ClinGen allele CA144906.

ClinVar aggregate classification (germline): Pathogenic. Review status: criteria provided, multiple submitters, no conflicts (2 of 4 stars). 16 submissions from 16 submitters: Pathogenic (14). 2 of the submissions do not count toward it. Last evaluated 2026-07-02.

Conditions:
Primary ciliary dyskinesia 24 (CILD24). Also called: CILIARY DYSKINESIA, PRIMARY, 24, WITHOUT SITUS INVERSUS. Identifiers: Orphanet 244, MedGen C3809634, MONDO:0014202, OMIM 615481.
RSPH1-related disorder. Also called: RSPH1-related condition.
Primary ciliary dyskinesia. Also called: Ciliary dyskinesia. Identifiers: Orphanet 244, MedGen C0008780, MONDO:0016575, HP:0012265.
Kartagener syndrome (CILD1). Also called: SIEWERT SYNDROME; POLYNESIAN BRONCHIECTASIS; IMMOTILE CILIA SYNDROME; Dextrocardia bronchiectasis and sinusitis; CILIARY DYSKINESIA, PRIMARY, 1; CILIARY DYSKINESIA, PRIMARY, 1, WITH OR WITHOUT SITUS INVERSUS. Identifiers: Orphanet 244, MedGen C4551906, MONDO:0009484, OMIM 244400.

Allele frequency attached by ClinVar (database versions not stated): TOPMed 0.00035; gnomAD 0.00006; 1000 Genomes Project 0.00040; ESP Exome Variant Server 0.00038; 1000 Genomes Project 30x 0.00047.

Submissions (16):

Victorian Clinical Genetics Services, Murdoch Childrens Research Institute
Classification: Pathogenic for Primary ciliary dyskinesia 24. Last evaluated: 2026-07-02. Review status: criteria provided, single submitter. Criteria: ACMG Guidelines, 2015. Collection method: clinical testing. Allele origin: germline. Affected: yes.
Comment: This variant is classified as Pathogenic. Evidence in support of pathogenic classification: Variant is predicted to result in a truncated protein (premature termination codon is located within the first 102 nucleotides of the coding sequence and is predicted to escape nonsense-mediated decay); Variant is present in gnomAD <0.01 for a recessive condition (v4: 296 heterozygote(s), 0 homozygote(s)); This variant has strong previous evidence of pathogenicity in unrelated individuals. This variant has been classified multiple times as likely pathogenic or pathogenic by clinical laboratories in ClinVar, and reported in a homozygous or compound heterozygous state in individuals with primary ciliary dyskinesia (PMID: 23993197). Additional information: This variant is heterozygous; This gene is associated with autosomal recessive disease; No comparable variants predicted to escape NMD have previous evidence for pathogenicity; Loss of function is a known mechanism of disease in this gene and is associated with ciliary dyskinesia, primary, 24 (MIM#615481); Inheritance information for this variant is not currently available in this individual.

Labcorp Genetics (formerly Invitae), Labcorp
Classification: Pathogenic for Primary ciliary dyskinesia. Last evaluated: 2026-01-20. Review status: criteria provided, single submitter. Criteria: Invitae Variant Classification Sherloc (09022015). Collection method: clinical testing. Allele origin: germline.
Comment: This sequence change creates a premature translational stop signal (p.Glu29*) in the RSPH1 gene. It is expected to result in an absent or disrupted protein product. Loss-of-function variants in RSPH1 are known to be pathogenic (PMID: 23993197). This variant is present in population databases (rs138320978, gnomAD 0.06%). This premature translational stop signal has been observed in individuals with primary ciliary dyskinesia (PMID: 23993197, 24518672, 24568568, 26139845). ClinVar contains an entry for this variant (Variation ID: 66987). Algorithms developed to predict the effect of sequence changes on RNA splicing suggest that this variant may disrupt the consensus splice site. For these reasons, this variant has been classified as Pathogenic.

Dasa
Classification: Pathogenic. Last evaluated: 2025-10-24. Review status: criteria provided, single submitter. Criteria: DASA Assertion Criteria. Collection method: clinical testing. Allele origin: germline.
Comment: NM_080860.4(RSPH1):c.85G>T (p.Glu29*) introduces a premature termination codon predicted to result in loss of normal protein function. Loss-of-function is an established mechanism of disease for this gene. This variant has been recurrently observed in individuals with related phenotype (PMID: 23993197; PMID: 24518672; PMID: 24568568). Segregation evidence has been reported in affected families. The variant is present at low frequency in population datasets. Based on the available data, this variant is classified as pathogenic.

PreventionGenetics, part of Exact Sciences
Classification: Pathogenic for RSPH1-related condition. Last evaluated: 2025-09-09. Review status: criteria provided, single submitter. Criteria: ACMG Guidelines, 2015. Collection method: clinical testing. Allele origin: germline.
Comment: The RSPH1 c.85G>T variant is predicted to result in premature protein termination (p.Glu29*). This variant has been reported to be causative for primary ciliary dyskinesia with central complex defects (Kott et al. 2013. PubMed ID: 23993197). This variant is reported in 0.056% of alleles in individuals of Latino descent in gnomAD . Nonsense variants in RSPH1 are expected to be pathogenic. This variant is interpreted as pathogenic.

GeneDx
Classification: Pathogenic. Last evaluated: 2025-08-11. Review status: criteria provided, single submitter. Criteria: GeneDx Variant Classification Process June 2021. Collection method: clinical testing. Allele origin: germline. Affected: yes.
Comment: Nonsense variant predicted to result in protein truncation or nonsense mediated decay in a gene for which loss of function is a known mechanism of disease; This variant is associated with the following publications: (PMID: 30609409, 24518672, 26139845, 31772028, 31980526, 32253119, 36920900, 38626355, 30858532, 40429437, 23993197, 24568568, 40183288, 40742517)

Mayo Clinic Laboratories, Mayo Clinic
Classification: Pathogenic. Last evaluated: 2025-02-18. Review status: criteria provided, single submitter. Criteria: ACMG Guidelines, 2015. Collection method: clinical testing. Allele origin: germline. Observed: 2 variant alleles.
Comment: PM2_supporting, PM3_strong, PS4, PVS1

Blueprint Genetics
Classification: Pathogenic for RSPH1-related disorders. Last evaluated: 2024-11-08. Review status: criteria provided, single submitter. Criteria: ACMG Guidelines, 2015. Collection method: clinical testing. Allele origin: germline. Affected: yes. Observed: 5 variant alleles.

Department of Pathology and Laboratory Medicine, Sinai Health System
Classification: Pathogenic for Primary ciliary dyskinesia 24. Last evaluated: 2022-06-21. Review status: criteria provided, single submitter. Criteria: ACMG Guidelines, 2015. Collection method: research. Allele origin: germline.

Johns Hopkins Genomics, Johns Hopkins University
Classification: Pathogenic for Primary ciliary dyskinesia 24. Last evaluated: 2022-04-04. Review status: criteria provided, single submitter. Criteria: ACMG Guidelines, 2015. Collection method: clinical testing. Allele origin: germline.
Comment: This RSPH1 nonsense variant has been identified in multiple individuals with primary ciliary dyskinesia in both the homozygous and compound heterozygous states. This variant (rs138320978) is rare (<0.1%) in a large population dataset (gnomAD: 67/282852 total alleles; 0.02369%; no homozygotes) and has been reported in ClinVar (Variation ID: 66987). This nonsense variant results in a premature stop codon in exon 2 likely leading to nonsense-mediated decay and lack of protein production. We consider this variant to be pathogenic.

Fulgent Genetics
Classification: Pathogenic for Primary ciliary dyskinesia 24. Last evaluated: 2022-02-09. Review status: criteria provided, single submitter. Criteria: ACMG Guidelines, 2015. Collection method: clinical testing. Allele origin: unknown.

Laboratorio de Genetica e Diagnostico Molecular, Hospital Israelita Albert Einstein
Classification: Pathogenic for Primary ciliary dyskinesia 24. Last evaluated: 2021-05-07. Review status: criteria provided, single submitter. Criteria: ACMG Guidelines, 2015. Collection method: clinical testing. Allele origin: germline. Affected: yes.
Comment: ACMG classification criteria: PVS1, PM3 very strong

Revvity Omics, Revvity
Classification: Pathogenic for Primary ciliary dyskinesia 24. Last evaluated: 2019-06-18. Review status: criteria provided, single submitter. Criteria: ACMG Guidelines, 2015. Collection method: clinical testing. Allele origin: germline.

Laboratory for Molecular Medicine, Mass General Brigham Personalized Medicine
Classification: Pathogenic for Primary ciliary dyskinesia. Last evaluated: 2017-07-27. Review status: criteria provided, single submitter. Criteria: LMM Criteria. Collection method: clinical testing. Allele origin: germline. Inheritance: Autosomal recessive inheritance. Observed: 2 variant alleles.
Comment: The p.Glu29X (NM_080860.2 c.85G>T) variant in RSPH1 has been previously reported in at least 5 homozygous and 5 compound heterozygous individuals with primary ciliary dyskinesia (Kott 2013, Marshall 2015, Onoufriadis 2014, Knowles 2014). T his variant has been identified in 40/126,700 of European chromosomes by the Gen ome Aggregation Database (gnomAD; dbSNP rs1383 20978). Although this variant has been seen in the general population, its frequ ency is low enough to be consistent with a recessive carrier frequency. This non sense variant leads to a premature termination codon at position 29, which is pr edicted to lead to a truncated or absent protein. Biallelic loss of function of the RSPH1 gene has been associated with primary ciliary dyskinesia. In summary, this variant meets criteria to be classified as pathogenic for primary ciliary d yskinesia in an autosomal recessive manner based upon its biallelic occurrence i n individuals with this disease and the predicted impact on the protein. ACMG/AM P criteria applied: PVS1, PM3 (upgraded to Strong based on multiple occurrences) .

Clinical Genetics Service, Universitary Hospital 12 de Octubre
Classification: Pathogenic for Primary ciliary dyskinesia 24. Review status: criteria provided, single submitter. Criteria: ACMG Guidelines, 2015. Collection method: clinical testing. Allele origin: germline. Affected: yes.

OMIM
Classification: Pathogenic for CILIARY DYSKINESIA, PRIMARY, 24, WITHOUT SITUS INVERSUS. Last evaluated: 2013-09-05. Review status: no assertion criteria provided. Collection method: literature only. Allele origin: germline. Not counted in ClinVar's aggregate classification.

GeneReviews
No classification provided. Condition: Kartagener syndrome. Review status: no classification provided. Collection method: literature only. Allele origin: germline. Affected: yes. Not counted in ClinVar's aggregate classification.

Literature cited by the submitters: PubMed 23993197 (cited by 7 submitters); PubMed 24518672 (cited by 5 submitters); PubMed 24568568 (cited by 5 submitters); PubMed 26139845 (cited by 3 submitters); PubMed 30609409 (cited by Mayo Clinic Laboratories, Mayo Clinic); PubMed 31772028 (cited by Mayo Clinic Laboratories, Mayo Clinic); PubMed 31980526 (cited by Mayo Clinic Laboratories, Mayo Clinic); PubMed 32253119 (cited by Mayo Clinic Laboratories, Mayo Clinic); NCBI Bookshelf NBK1122 (cited by GeneReviews).